The following is an entry in ClinVar:

NM_152906.7(TANGO2):c.451+2T>A

Gene: TANGO2 (transport and golgi organization 2 homolog; plus strand). Cytogenetic location: 22q11.21.
Variant type: single nucleotide variant.
Coding change: c.451+2T>A on transcript NM_152906.7 (MANE Select); the canonical splice donor site of the intron after coding-DNA position 451, T replaced by A.
Molecular consequence: splice donor variant. On other transcripts: intron variant (11).
Genome position (GRCh38, 1-based): chr22:20,056,015, T>A. VCF-style: chr22-20056015-T-A. GRCh37 (hg19) VCF-style: chr22-20043538-T-A.
Other names: c.451+2T>A (NM_001283106.3, NM_001283154.3, NM_001322142.2 and 2 more transcripts); c.265+3431T>A (NM_001322163.2, NM_001283179.3, NM_001322167.2 and 4 more transcripts); c.157+2T>A (NM_001322174.2, NM_001322172.2, NM_001322175.2 and 6 more transcripts); c.349+2T>A (NM_001322160.2, NM_001322146.2, NM_001322148.2); c.574+2T>A (NM_001322143.2, NM_001322141.2, NM_001283129.3 and 2 more transcripts); c.388+3431T>A (NM_001322145.2, NM_001322147.2); c.380+2464T>A (NM_001283199.3); c.503+2464T>A (NM_001322149.2).
Identifiers: ClinVar variation 985651 (VCV000985651.5), dbSNP rs2047264129, ClinGen allele CA410697914.

ClinVar aggregate classification (germline): Pathogenic/Likely pathogenic. Review status: criteria provided, multiple submitters, no conflicts (2 of 4 stars). 2 submissions from 2 submitters: Pathogenic (1); Likely pathogenic (1). Last evaluated 2024-03-13.

Conditions:
Inborn genetic diseases. Identifiers: MedGen C0950123, MeSH D030342.

Submissions (2):

Labcorp Genetics (formerly Invitae), Labcorp
Classification: Likely pathogenic. Last evaluated: 2024-03-13. Review status: criteria provided, single submitter. Criteria: Invitae Variant Classification Sherloc (09022015). Collection method: clinical testing. Allele origin: germline.
Comment: This sequence change affects a donor splice site in intron 6 of the TANGO2 gene. It is expected to disrupt RNA splicing. Variants that disrupt the donor or acceptor splice site typically lead to a loss of protein function (PMID: 16199547), and loss-of-function variants in TANGO2 are known to be pathogenic (PMID: 26805781, 26805782). This variant is not present in population databases (gnomAD no frequency). Disruption of this splice site has been observed in individual(s) with TANGO2-related conditions (PMID: 31618753, 33845444). ClinVar contains an entry for this variant (Variation ID: 985651). Algorithms developed to predict the effect of sequence changes on RNA splicing suggest that this variant may disrupt the consensus splice site. In summary, the currently available evidence indicates that the variant is pathogenic, but additional data are needed to prove that conclusively. Therefore, this variant has been classified as Likely Pathogenic.

Ambry Genetics
Classification: Pathogenic for Inborn genetic diseases. Last evaluated: 2018-04-11. Review status: criteria provided, single submitter. Criteria: Ambry exome assertion method (8-5-2015). Collection method: clinical testing. Allele origin: germline. Affected: yes. Observed: 1 variant allele.

Literature cited by the submitters: PubMed 16199547 (cited by Labcorp Genetics (formerly Invitae), Labcorp); PubMed 26805781 (cited by Labcorp Genetics (formerly Invitae), Labcorp); PubMed 26805782 (cited by Labcorp Genetics (formerly Invitae), Labcorp); PubMed 31618753 (cited by Labcorp Genetics (formerly Invitae), Labcorp); PubMed 33845444 (cited by Labcorp Genetics (formerly Invitae), Labcorp).